The following is an entry in ClinVar:

ClinVar aggregate classification (germline): Conflicting classifications of pathogenicity. Review status: criteria provided, conflicting classifications (1 of 4 stars). 5 submissions from 5 submitters: Uncertain significance (4); Likely benign (1). Last evaluated 2025-10-29.

Conditions:
Multiple endocrine neoplasia, type 2 (MEN2). Identifiers: Orphanet 653, MedGen C4048306, MONDO:0019003. Disease mechanism: gain of function.
Hirschsprung disease, susceptibility to, 1 (HSCR1). Also called: RET-Related Hirschsprung Disease. Identifiers: Orphanet 388, MedGen C3888239, MONDO:0007723, OMIM 142623.
Pheochromocytoma. Also called: MAX-Related Hereditary Paraganglioma-Pheochromocytoma Syndrome. Identifiers: Orphanet 29072, MedGen C0031511, MONDO:0008233, OMIM 171300, HP:0002666.
Multiple endocrine neoplasia type 2A. Also called: MULTIPLE ENDOCRINE NEOPLASIA, TYPE IIA; PTC SYNDROME; SIPPLE SYNDROME; MEN 2A; MEN-2A syndrome; Pheochromocytoma and amyloid producing medullary thyroid carcinoma. Identifiers: Orphanet 247698, Orphanet 653, MedGen C0025268, MeSH D018813, MONDO:0008234, OMIM 171400.
Familial medullary thyroid carcinoma (MTC). Also called: Thyroid cancer, familial medullary; MTC, familial; Familial Medullary Thyroid Carcinoma (FMTC). Identifiers: Orphanet 653, Orphanet 99361, MedGen C1833921, MONDO:0007958, OMIM 155240.
Multiple endocrine neoplasia type 2B. Also called: MEN 2B; Multiple endocrine neoplasia, type 3; MUCOSAL NEUROMA SYNDROME; MEN IIB; NEUROMATA, MUCOSAL, WITH ENDOCRINE TUMORS; WAGENMANN-FROBOESE SYNDROME. Identifiers: Orphanet 247709, Orphanet 653, MedGen C0025269, MeSH D018814, MONDO:0008082, OMIM 162300.
Hereditary cancer-predisposing syndrome. Also called: Neoplastic Syndromes, Hereditary; Tumor predisposition; Hereditary Cancer Syndrome; Hereditary neoplastic syndrome. Identifiers: Orphanet 140162, MedGen C0027672, MeSH D009386, MONDO:0015356.

Allele frequency attached by ClinVar (database versions not stated): gnomAD exomes below 0.00001; ExAC 0.00001; gnomAD 0.00001; TOPMed 0.00002.
gnomAD v4.1: 5 of 1,607,954 alleles (0.00031%); highest among the groups gnomAD compares: African/African-American, 0.0027%; no homozygotes.

Submissions (5):

Ambry Genetics
Classification: Likely benign for Hereditary cancer-predisposing syndrome. Last evaluated: 2025-10-29. Review status: criteria provided, single submitter. Criteria: Ambry Variant Classification Scheme 2023. Collection method: clinical testing. Allele origin: germline.

Labcorp Genetics (formerly Invitae), Labcorp
Classification: Uncertain significance for Multiple endocrine neoplasia, type 2. Last evaluated: 2025-07-16. Review status: criteria provided, single submitter. Criteria: Invitae Variant Classification Sherloc (09022015). Collection method: clinical testing. Allele origin: germline.
Comment: This sequence change replaces tyrosine, which is neutral and polar, with histidine, which is basic and polar, at codon 508 of the RET protein (p.Tyr508His). This variant is present in population databases (rs775152474, gnomAD 0.007%). This variant has not been reported in the literature in individuals affected with RET-related conditions. ClinVar contains an entry for this variant (Variation ID: 855948). An algorithm developed to predict the effect of missense changes on protein structure and function outputs the following: PolyPhen-2: "Benign". The histidine amino acid residue is found in multiple mammalian species, which suggests that this missense change does not adversely affect protein function. In summary, the available evidence is currently insufficient to determine the role of this variant in disease. Therefore, it has been classified as a Variant of Uncertain Significance.

Quest Diagnostics Nichols Institute San Juan Capistrano
Classification: Uncertain significance. Last evaluated: 2024-10-01. Review status: criteria provided, single submitter. Criteria: Quest Diagnostics criteria. Collection method: clinical testing. Allele origin: unknown.
Comment: The RET c.1522T>C (p.Tyr508His) variant has not been reported in individuals with RET-related conditions in the published literature. The frequency of this variant in the general population, 0.0000041 (1/245886 chromosomes (Genome Aggregation Database)), is uninformative in the assessment of its pathogenicity. Analysis of this variant using bioinformatics tools for the prediction of the effect of amino acid changes on protein structure and function yielded predictions that this variant is benign. Based on the available information, we are unable to determine the clinical significance of this variant.

Fulgent Genetics
Classification: Uncertain significance for Hirschsprung disease, susceptibility to, 1; Familial medullary thyroid carcinoma; Multiple endocrine neoplasia type 2B; Pheochromocytoma; Multiple endocrine neoplasia type 2A. Last evaluated: 2024-05-18. Review status: criteria provided, single submitter. Criteria: ACMG Guidelines, 2015. Collection method: clinical testing. Allele origin: germline.

GeneDx
Classification: Uncertain significance. Last evaluated: 2023-05-08. Review status: criteria provided, single submitter. Criteria: GeneDx Variant Classification Process June 2021. Collection method: clinical testing. Allele origin: germline. Affected: yes.
Comment: Not observed at significant frequency in large population cohorts (gnomAD); In silico analysis supports that this missense variant does not alter protein structure/function; Has not been previously published as pathogenic or benign to our knowledge

NM_020975.6(RET):c.1522T>C (p.Tyr508His)

Gene: RET (ret proto-oncogene; plus strand). Cytogenetic location: 10q11.21.
Variant type: single nucleotide variant.
Coding change: c.1522T>C on transcript NM_020975.6 (MANE Select); coding-DNA position 1522, T replaced by C.
Protein change: p.Tyr508His; replaces tyrosine 508 with histidine.
Molecular consequence: missense variant.
Genome position (GRCh38, 1-based): chr10:43,111,465, T>C. VCF-style: chr10-43111465-T-C. GRCh37 (hg19) VCF-style: chr10-43606913-T-C.
Other names: c.1393T>C, p.Tyr465His (NM_001406768.1, NM_001406761.1, NM_001406762.1 and 1 more transcripts); c.1126T>C, p.Tyr376His (NM_001406769.1, NM_001406772.1); c.1234T>C, p.Tyr412His (NM_001406770.1, NM_001406766.1, NM_001406767.1); c.1084T>C, p.Tyr362His (NM_001406771.1, NM_001406773.1); c.997T>C, p.Tyr333His (NM_001406774.1); c.796T>C, p.Tyr266His (NM_001406775.1, NM_001406776.1, NM_001406777.1 and 1 more transcripts); c.1522T>C, p.Tyr508His (NM_000323.2, NM_001406743.1, NM_001406744.1 and 6 more transcripts); c.760T>C, p.Tyr254His (NM_001355216.2); and 1 more; short protein forms Y254H, Y508H, Y266H, Y362H, Y376H, Y412H, Y465H, Y178H.
Identifiers: ClinVar variation 855948 (VCV000855948.14), dbSNP rs775152474, ClinGen allele CA034161.